The following is an entry in ClinVar:

ClinVar aggregate classification (germline): Uncertain significance (1 of 4 stars; one submission).

Conditions:
Hereditary cancer-predisposing syndrome. Also called: Neoplastic Syndromes, Hereditary; Hereditary Cancer Syndrome; Tumor predisposition; Hereditary neoplastic syndrome. Identifiers: Orphanet 140162, MedGen C0027672, MeSH D009386, MONDO:0015356.

Allele frequency attached by ClinVar (database versions not stated): gnomAD exomes below 0.00001.
gnomAD v4.1: 1 of 1,613,438 alleles (0.000062%); highest among the groups gnomAD compares: Admixed American, 0.0017%; no homozygotes.

Submission:

Ambry Genetics
Classification: Uncertain significance for Hereditary cancer-predisposing syndrome. Last evaluated: 2022-11-14. Review status: criteria provided, single submitter. Criteria: Ambry Variant Classification Scheme 2023. Collection method: clinical testing. Allele origin: germline.
Comment: The p.Y273C variant (also known as c.818A>G), located in coding exon 6 of the PTCH1 gene, results from an A to G substitution at nucleotide position 818. The tyrosine at codon 273 is replaced by cysteine, an amino acid with highly dissimilar properties. This amino acid position is well conserved in available vertebrate species. In addition, the in silico prediction for this alteration is inconclusive. Since supporting evidence is limited at this time, the clinical significance of this alteration remains unclear.

NM_000264.5(PTCH1):c.818A>G (p.Tyr273Cys)

Gene: PTCH1 (patched 1; minus strand). Cytogenetic location: 9q22.32.
Variant type: single nucleotide variant.
Coding change: c.818A>G on transcript NM_000264.5 (MANE Select); coding-DNA position 818, A replaced by G.
Protein change: p.Tyr273Cys; replaces tyrosine 273 with cysteine.
Molecular consequence: missense variant. On other transcripts: non-coding transcript variant (1).
Genome position (GRCh38, 1-based): chr9:95,480,517, T>C on the plus strand (A>G on the coding strand, the complement: PTCH1 is on the minus strand). VCF-style: chr9-95480517-T-C. GRCh37 (hg19) VCF-style: chr9-98242799-T-C.
Other names: c.620A>G, p.Tyr207Cys (NM_001083602.3); c.815A>G, p.Tyr272Cys (NM_001083603.3); c.365A>G, p.Tyr122Cys (NM_001083604.3, NM_001083605.3, NM_001083606.3 and 1 more transcripts); c.818A>G, p.Tyr273Cys (NM_001354918.2); short protein forms Y122C, Y273C, Y207C, Y272C.
Identifiers: ClinVar variation 2449618 (VCV002449618.2), dbSNP rs2118422638, ClinGen allele CA374114211.